The following is an entry in ClinVar:

NM_000784.4(CYP27A1):c.408C>G (p.His136Gln)

Gene: CYP27A1 (cytochrome P450 family 27 subfamily A member 1; plus strand). Cytogenetic location: 2q35.
Variant type: single nucleotide variant.
Coding change: c.408C>G on transcript NM_000784.4 (MANE Select); coding-DNA position 408, C replaced by G.
Protein change: p.His136Gln; replaces histidine 136 with glutamine.
Molecular consequence: missense variant.
Genome position (GRCh38, 1-based): chr2:218,809,729, C>G. VCF-style: chr2-218809729-C-G. GRCh37 (hg19) VCF-style: chr2-219674452-C-G.
Other names: short protein forms H136Q.
Identifiers: ClinVar variation 1737699 (VCV001737699.2), dbSNP rs1943692396, ClinGen allele CA350583607.

ClinVar aggregate classification (germline): Uncertain significance (1 of 4 stars; one submission).

Conditions:
Cardiovascular phenotype. Identifiers: MedGen CN230736.

Allele frequency attached by ClinVar (database versions not stated): TOPMed below 0.00001; gnomAD 0.00001.
gnomAD v4.1: 2 of 1,613,862 alleles (0.00012%); highest among the groups gnomAD compares: Non-Finnish European, 0.000085%; no homozygotes.

Submission:

Ambry Genetics
Classification: Uncertain significance for Cardiovascular phenotype. Last evaluated: 2022-10-27. Review status: criteria provided, single submitter. Criteria: Ambry Variant Classification Scheme 2023. Collection method: clinical testing. Allele origin: germline.
Comment: The p.H136Q variant (also known as c.408C>G), located in coding exon 2 of the CYP27A1 gene, results from a C to G substitution at nucleotide position 408. The histidine at codon 136 is replaced by glutamine, an amino acid with highly similar properties. This amino acid position is conserved. In addition, this alteration is predicted to be tolerated by in silico analysis. Since supporting evidence is limited at this time, the clinical significance of this alteration remains unclear.